The following is an entry in ClinVar:

NM_001244008.2(KIF1A):c.4917G>A (p.Leu1639=)

Gene: KIF1A (kinesin family member 1A; minus strand). Cytogenetic location: 2q37.3.
Variant type: single nucleotide variant.
Coding change: c.4917G>A on transcript NM_001244008.2 (MANE Select); coding-DNA position 4917, G replaced by A.
Protein change: p.Leu1639=; no amino-acid change (leucine 1639 retained).
Molecular consequence: synonymous variant.
Genome position (GRCh38, 1-based): chr2:240,719,878, C>T on the plus strand (G>A on the coding strand, the complement: KIF1A is on the minus strand). VCF-style: chr2-240719878-C-T. GRCh37 (hg19) VCF-style: chr2-241659295-C-T.
Other names: c.4641G>A, p.Leu1547= (NM_001320705.2, NM_001379649.1); c.4668G>A, p.Leu1556= (NM_001330289.2); c.4716G>A, p.Leu1572= (NM_001330290.2, NM_001379648.1); c.4992G>A, p.Leu1664= (NM_001379631.1); c.4893G>A, p.Leu1631= (NM_001379632.1); c.4890G>A, p.Leu1630= (NM_001379633.1, NM_001379645.1); c.4743G>A, p.Leu1581= (NM_001379634.1); c.4740G>A, p.Leu1580= (NM_001379635.1, NM_001379646.1); and 7 more.
Identifiers: ClinVar variation 390911 (VCV000390911.81), dbSNP rs187810230, ClinGen allele CA2207248.
Genomic context (GRCh38, chr2:240,719,878, plus strand): 5'-CTCCTTGTCTGTCTCTGTTGCCCGGGCAGGGGAAGGGAGCTTCTTGGAGTCGGCCTCTGG[C>T]AGCAGCTCGGGCTCTGGGCTGGCTGGCCGGGAGCAGGGCTGCGGGGTCCTGGGAAGCAGA-3'
Protein context (NP_001230937.1, residues 1629-1649): SRPASPEPEL[Leu1639=]PEADSKKLPS

ClinVar aggregate classification (germline): Conflicting classifications of pathogenicity. Review status: criteria provided, conflicting classifications (1 of 4 stars). 7 submissions from 7 submitters: Uncertain significance (1); Benign (3); Likely benign (3). Last evaluated 2026-01-28.

Conditions:
Inborn genetic diseases. Identifiers: MedGen C0950123, MeSH D030342.
Hereditary spastic paraplegia 30. Identifiers: Orphanet 101010, MedGen C5235139, MONDO:0012476.
Neuropathy, hereditary sensory, type 2C. Also called: Hereditary sensory and autonomic neuropathy type IIC; KIF1A-Related HSAN2 (HSAN2C). Identifiers: Orphanet 970, MedGen C3280168, MONDO:0013634, OMIM 614213.
Intellectual disability, autosomal dominant 9 (NESCAVS). Also called: NESCAV SYNDROME; KIF1A-Related Neurodevelopmental Disorder. Identifiers: Orphanet 662367, MedGen C5393830, MONDO:0013656, OMIM 614255.

Allele frequency attached by ClinVar (database versions not stated): gnomAD 0.00225 and 0.00252; ESP Exome Variant Server 0.00250; TOPMed 0.00267; gnomAD exomes 0.00022 and 0.00057; ExAC 0.00061; 1000 Genomes Project 30x 0.00125; 1000 Genomes Project 0.00180.
gnomAD v4.1: 705 of 1,611,834 alleles (0.044%); highest among the groups gnomAD compares: African/African-American, 0.77%; 2 homozygotes.

Submissions (7):

Labcorp Genetics (formerly Invitae), Labcorp
Classification: Benign for Hereditary spastic paraplegia 30; Neuropathy, hereditary sensory, type 2C; Intellectual disability, autosomal dominant 9. Last evaluated: 2026-01-28. Review status: criteria provided, single submitter. Criteria: Invitae Variant Classification Sherloc (09022015). Collection method: clinical testing. Allele origin: germline.

Blueprint Genetics
Classification: Likely benign. Last evaluated: 2024-09-23. Review status: criteria provided, single submitter. Criteria: ACMG Guidelines, 2015. Collection method: clinical testing. Allele origin: germline.

CeGaT Center for Human Genetics Tuebingen
Classification: Likely benign. Last evaluated: 2023-11-01. Review status: criteria provided, single submitter. Criteria: CeGaT Center For Human Genetics Tuebingen Variant Classification Criteria Version 2. Collection method: clinical testing. Allele origin: germline. Affected: yes. Observed: 1 variant allele.
Comment: KIF1A: BP4, BP7, BS2

GeneDx
Classification: Benign. Last evaluated: 2021-03-22. Review status: criteria provided, single submitter. Criteria: GeneDx Variant Classification Process June 2021. Collection method: clinical testing. Allele origin: germline. Affected: yes.

Athena Diagnostics
Classification: Benign. Last evaluated: 2018-09-21. Review status: criteria provided, single submitter. Criteria: Athena Diagnostics Criteria. Collection method: clinical testing. Allele origin: germline.

Illumina Laboratory Services, Illumina
Classification: Uncertain significance for Spastic paraplegia 30A, autosomal dominant. Last evaluated: 2018-01-12. Review status: criteria provided, single submitter. Criteria: ICSL Variant Classification Criteria 13 December 2019. Collection method: clinical testing. Allele origin: germline.

Ambry Genetics
Classification: Likely benign for Inborn genetic diseases. Last evaluated: 2016-10-07. Review status: criteria provided, single submitter. Criteria: Ambry Variant Classification Scheme 2023. Collection method: clinical testing. Allele origin: germline.